The following is an entry in ClinVar:

NM_173602.3(DIP2B):c.2007G>A (p.Pro669=)

Gene: DIP2B (DIP2 acetate--CoA ligase B (putative); plus strand). Cytogenetic location: 12q13.12.
Variant type: single nucleotide variant.
Coding change: c.2007G>A on transcript NM_173602.3 (MANE Select); coding-DNA position 2007, G replaced by A.
Protein change: p.Pro669=; no amino-acid change (proline 669 retained).
Molecular consequence: synonymous variant.
Genome position (GRCh38, 1-based): chr12:50,697,134, G>A. VCF-style: chr12-50697134-G-A. GRCh37 (hg19) VCF-style: chr12-51090917-G-A.
Identifiers: ClinVar variation 722129 (VCV000722129.7), dbSNP rs770703708, ClinGen allele CA6564694.

ClinVar aggregate classification (germline): Likely benign. Review status: criteria provided, multiple submitters, no conflicts (2 of 4 stars). 4 submissions from 4 submitters: Likely benign (3). 1 of the submissions does not count toward it. Last evaluated 2024-10-04.

Conditions:
DIP2B-related disorder. Also called: DIP2B-related condition.

Allele frequency attached by ClinVar (database versions not stated): gnomAD exomes 0.00014 and 0.00025; gnomAD 0.00015 and 0.00019; TOPMed 0.00019; ExAC 0.00021.
gnomAD v4.1: 312 of 1,613,914 alleles (0.019%); highest among the groups gnomAD compares: Middle Eastern, 0.64%; 5 homozygotes.

Submissions (4):

Blueprint Genetics
Classification: Likely benign. Last evaluated: 2024-10-04. Review status: criteria provided, single submitter. Criteria: ACMG Guidelines, 2015. Collection method: clinical testing. Allele origin: germline.

Labcorp Genetics (formerly Invitae), Labcorp
Classification: Likely benign. Last evaluated: 2017-11-15. Review status: criteria provided, single submitter. Criteria: Invitae Variant Classification Sherloc (09022015). Collection method: clinical testing. Allele origin: germline.

Breakthrough Genomics
Classification: Likely benign. Review status: criteria provided, single submitter. Criteria: ACMG Guidelines, 2015. Collection method: not provided. Allele origin: germline. Inheritance: Autosomal dominant inheritance. Affected: yes.

PreventionGenetics, part of Exact Sciences
Classification: Likely benign for DIP2B-related condition. Last evaluated: 2019-07-12. Review status: no assertion criteria provided. Collection method: clinical testing. Allele origin: germline. Not counted in ClinVar's aggregate classification.
Comment: This variant is classified as likely benign based on ACMG/AMP sequence variant interpretation guidelines (Richards et al. 2015 PMID: 25741868, with internal and published modifications).